The following is an entry in ClinVar:

NM_001372106.1(DNAH10):c.6331C>T (p.Arg2111Trp)

Gene: DNAH10 (dynein axonemal heavy chain 10; plus strand). Cytogenetic location: 12q24.31.
Variant type: single nucleotide variant.
Coding change: c.6331C>T on transcript NM_001372106.1 (MANE Select); coding-DNA position 6331, C replaced by T.
Protein change: p.Arg2111Trp; replaces arginine 2111 with tryptophan.
Molecular consequence: missense variant.
Genome position (GRCh38, 1-based): chr12:123,853,245, C>T. VCF-style: chr12-123853245-C-T. GRCh37 (hg19) VCF-style: chr12-124337792-C-T.
Other names: c.5977C>T, p.Arg1993Trp (NM_207437.3); short protein forms R1993W, R2111W.
Identifiers: ClinVar variation 1331110 (VCV001331110.5), dbSNP rs186899892, ClinGen allele CA6864167.

ClinVar aggregate classification (germline): Uncertain significance. Review status: criteria provided, multiple submitters, no conflicts (2 of 4 stars). 2 submissions from 2 submitters: Uncertain significance (2). Last evaluated 2025-10-06.

Allele frequency attached by ClinVar (database versions not stated): gnomAD 0.00063 and 0.00067; ESP Exome Variant Server 0.00075; TOPMed 0.00076; 1000 Genomes Project 0.00120; gnomAD exomes 0.00024; ExAC 0.00039; 1000 Genomes Project 30x 0.00125.
gnomAD v4.1: 257 of 1,610,494 alleles (0.016%); highest among the groups gnomAD compares: African/African-American, 0.21%; no homozygotes.

Submissions (2):

Ambry Genetics
Classification: Uncertain significance. Last evaluated: 2025-10-06. Review status: criteria provided, single submitter. Criteria: Ambry Variant Classification Scheme 2023. Collection method: clinical testing. Allele origin: germline.

GeneDx
Classification: Uncertain significance. Last evaluated: 2019-11-20. Review status: criteria provided, single submitter. Criteria: GeneDx Variant Classification Process June 2021. Collection method: clinical testing. Allele origin: germline. Affected: yes.
Comment: In silico analysis, which includes protein predictors and evolutionary conservation, supports a deleterious effect; Has not been previously published as pathogenic or benign to our knowledge; Variants in candidate genes are classified as variants of uncertain significance in accordance with ACMG guidelines (Richards et al., 2015)